The following is an entry in ClinVar:

NM_005676.5(RBM10):c.901+2T>C

Genes: RBM10 (RNA binding motif protein 10; plus strand), LOC126863252 (CDK7 strongly-dependent group 2 enhancer GRCh37_chrX:47037923-47039122; plus strand). Cytogenetic location: Xp11.3.
Variant type: single nucleotide variant.
Coding change: c.901+2T>C on transcript NM_005676.5 (MANE Select); the canonical splice donor site of the intron after coding-DNA position 901, T replaced by C.
Molecular consequence: splice donor variant.
Genome position (GRCh38, 1-based): chrX:47,179,497, T>C. VCF-style: chrX-47179497-T-C. GRCh37 (hg19) VCF-style: chrX-47038896-T-C.
Other names: c.1096+2T>C (NM_001204468.2); c.901+2T>C (NM_001204467.2); c.670+2T>C (NM_001204466.2, NM_152856.3).
Identifiers: ClinVar variation 2011572 (VCV002011572.4), dbSNP rs2147169894, ClinGen allele CA412797522.
Genomic context (GRCh38, chrX:47,179,497, plus strand): 5'-CCTGGCCTCCCAAGCCCTGTCACAGGGCTCGGAGCCAAGCTCAGAGAACGCCAATGACAG[T>C]GAGTCAGTTGTTCCTTCTTCCTCTGTGCCCTAGGGTGTCGGGCTGGGCTCACCAAGACCA-3'

ClinVar aggregate classification (germline): Likely pathogenic (1 of 4 stars; one submission).

Submission:

Labcorp Genetics (formerly Invitae), Labcorp
Classification: Likely pathogenic. Last evaluated: 2022-06-27. Review status: criteria provided, single submitter. Criteria: Invitae Variant Classification Sherloc (09022015). Collection method: clinical testing. Allele origin: germline.
Comment: In summary, the currently available evidence indicates that the variant is pathogenic, but additional data are needed to prove that conclusively. Therefore, this variant has been classified as Likely Pathogenic. Algorithms developed to predict the effect of sequence changes on RNA splicing suggest that this variant may disrupt the consensus splice site. This sequence change affects a donor splice site in intron 9 of the RBM10 gene. It is expected to disrupt RNA splicing. Variants that disrupt the donor or acceptor splice site typically lead to a loss of protein function (PMID: 16199547), and loss-of-function variants in RBM10 are known to be pathogenic (PMID: 20451169, 24259342). This variant has not been reported in the literature in individuals affected with RBM10-related conditions. This variant is not present in population databases (gnomAD no frequency).

Literature cited by the submitters: PubMed 16199547; PubMed 20451169; PubMed 24259342.